The following is an entry in ClinVar:

NM_001458.5(FLNC):c.613G>A (p.Asp205Asn)

Gene: FLNC (filamin C; plus strand). Cytogenetic location: 7q32.1.
Variant type: single nucleotide variant.
Coding change: c.613G>A on transcript NM_001458.5 (MANE Select); coding-DNA position 613, G replaced by A.
Protein change: p.Asp205Asn; replaces aspartic acid 205 with asparagine.
Molecular consequence: missense variant.
Genome position (GRCh38, 1-based): chr7:128,837,171, G>A. VCF-style: chr7-128837171-G-A. GRCh37 (hg19) VCF-style: chr7-128477225-G-A.
Other names: p.Asp205Asn; c.613G>A, p.Asp205Asn (NM_001127487.2); short protein forms D205N.
Identifiers: ClinVar variation 472126 (VCV000472126.16), dbSNP rs767740333, ClinGen allele CA4474081.

ClinVar aggregate classification (germline): Conflicting classifications of pathogenicity. Review status: criteria provided, conflicting classifications (1 of 4 stars). 5 submissions from 5 submitters: Uncertain significance (4); Likely benign (1). Last evaluated 2026-01-25.

Conditions:
Cardiovascular phenotype. Identifiers: MedGen CN230736.
Distal myopathy with posterior leg and anterior hand involvement. Also called: WILLIAMS DISTAL MYOPATHY. Identifiers: Orphanet 63273, MedGen C3279722, MONDO:0013550, OMIM 614065.
Myofibrillar myopathy 5. Also called: Filaminopathy (type); FILAMINOPATHY, AUTOSOMAL DOMINANT. Identifiers: Orphanet 171445, MedGen C1836050, MONDO:0012289, OMIM 609524.
Hypertrophic cardiomyopathy 26. Also called: Cardiomyopathy, familial hypertrophic, 26. Identifiers: Orphanet 75249, MedGen C4310749, MONDO:0014883, OMIM 617047.

Allele frequency attached by ClinVar (database versions not stated): gnomAD 0.00001; gnomAD exomes 0.00001; ExAC 0.00002; TOPMed 0.00002.

Submissions (5):

Labcorp Genetics (formerly Invitae), Labcorp
Classification: Likely benign for Distal myopathy with posterior leg and anterior hand involvement; Myofibrillar myopathy 5; Hypertrophic cardiomyopathy 26. Last evaluated: 2026-01-25. Review status: criteria provided, single submitter. Criteria: Invitae Variant Classification Sherloc (09022015). Collection method: clinical testing. Allele origin: germline.

Mayo Clinic Laboratories, Mayo Clinic
Classification: Uncertain significance. Last evaluated: 2025-10-21. Review status: criteria provided, single submitter. Criteria: ACMG Guidelines, 2015. Collection method: clinical testing. Allele origin: germline. Observed: 1 variant allele.

Molecular Diagnostic Laboratory for Inherited Cardiovascular Disease, Montreal Heart Institute
Classification: Uncertain significance for Cardiovascular phenotype. Last evaluated: 2025-04-09. Review status: criteria provided, single submitter. Criteria: ACMG Guidelines, 2015. Collection method: clinical testing. Allele origin: germline. Affected: yes.

GeneDx
Classification: Uncertain significance. Last evaluated: 2024-12-04. Review status: criteria provided, single submitter. Criteria: GeneDx Variant Classification Process June 2021. Collection method: clinical testing. Allele origin: germline. Affected: yes.
Comment: Not observed at significant frequency in large population cohorts (gnomAD); In silico analysis supports that this missense variant has a deleterious effect on protein structure/function; Has not been previously published as pathogenic or benign to our knowledge

Ambry Genetics
Classification: Uncertain significance for Cardiovascular phenotype. Last evaluated: 2023-08-11. Review status: criteria provided, single submitter. Criteria: Ambry Variant Classification Scheme 2023. Collection method: clinical testing. Allele origin: germline.
Comment: The p.D205N variant (also known as c.613G>A), located in coding exon 3 of the FLNC gene, results from a G to A substitution at nucleotide position 613. The aspartic acid at codon 205 is replaced by asparagine, an amino acid with highly similar properties. This amino acid position is well conserved in available vertebrate species. In addition, the in silico prediction for this alteration is inconclusive. Since supporting evidence is limited at this time, the clinical significance of this alteration remains unclear.